The following is an entry in ClinVar:

ClinVar aggregate classification (germline): Conflicting classifications of pathogenicity. Review status: criteria provided, conflicting classifications (1 of 4 stars). 4 submissions from 4 submitters: Pathogenic (1); Likely pathogenic (2); Uncertain significance (1). Last evaluated 2025-07-11.

Conditions:
GNPTG-mucolipidosis. Also called: Mucolipidosis type III gamma; MUCOLIPIDOSIS III, COMPLEMENTATION GROUP C; MUCOLIPIDOSIS III, IRANIAN VARIANT FORM; MUCOLIPIDOSIS III, VARIANT FORM; ML III GAMMA; ML IIIC. Identifiers: Orphanet 423470, Orphanet 577, MedGen C1854896, MONDO:0009652, OMIM 252605.

Allele frequency attached by ClinVar (database versions not stated): gnomAD exomes below 0.00001.
gnomAD v4.1: 2 of 1,613,658 alleles (0.00012%); highest among the groups gnomAD compares: Non-Finnish European, 0.00017%; no homozygotes.

Submissions (4):

Natera, Inc.
Classification: Likely pathogenic for Mucolipidosis III gamma. Last evaluated: 2025-07-11. Review status: criteria provided, single submitter. Criteria: Natera Variant Classification Schema (03/2026). Collection method: clinical testing. Allele origin: germline.
Comment: The c.293G>A variant in GNPTG is a nonsense variant predicted to introduce a stop codon at amino acid 98. This variant is expected to result in nonsense mediated decay, truncation, or a dysfunctional protein product. This variant is rare in the general population with a frequency below the threshold expected for the associated phenotype(s). Given the available evidence, this variant is classified as Likely Pathogenic.

MVZ Martinsried, Medicover Genetics
Classification: Pathogenic for GNPTG-mucolipidosis. Last evaluated: 2024-08-01. Review status: criteria provided, single submitter. Criteria: ACGS Guidelines, 2020. Collection method: clinical testing. Allele origin: inherited. Affected: yes. Observed: 1 compound heterozygote.

Fulgent Genetics
Classification: Likely pathogenic for GNPTG-mucolipidosis. Last evaluated: 2024-03-26. Review status: criteria provided, single submitter. Criteria: ACMG Guidelines, 2015. Collection method: clinical testing. Allele origin: germline.

CeGaT Center for Human Genetics Tuebingen
Classification: Uncertain significance. Last evaluated: 2017-05-01. Review status: criteria provided, single submitter. Criteria: CeGaT Center For Human Genetics Tuebingen Variant Classification Criteria Version 2. Collection method: clinical testing. Allele origin: germline. Affected: yes. Observed: 1 variant allele.

NM_032520.5(GNPTG):c.293G>A (p.Trp98Ter)

Gene: GNPTG (N-acetylglucosamine-1-phosphate transferase subunit gamma; plus strand). Cytogenetic location: 16p13.3.
Variant type: single nucleotide variant.
Coding change: c.293G>A on transcript NM_032520.5 (MANE Select); coding-DNA position 293, G replaced by A.
Protein change: p.Trp98Ter; replaces tryptophan 98 with a stop codon.
Molecular consequence: nonsense.
Genome position (GRCh38, 1-based): chr16:1,361,931, G>A. VCF-style: chr16-1361931-G-A. GRCh37 (hg19) VCF-style: chr16-1411932-G-A.
Other names: c.293G>A (NM_032520.4); short protein forms W98*.
Identifiers: ClinVar variation 444355 (VCV000444355.46), dbSNP rs1555451684, ClinGen allele CA394186991.